The following is an entry in ClinVar:

ClinVar aggregate classification (germline): Uncertain significance (1 of 4 stars; one submission).

Allele frequency attached by ClinVar (database versions not stated): gnomAD exomes below 0.00001 and 0.00001; gnomAD 0.00003; TOPMed 0.00004.
gnomAD v4.1: 23 of 1,613,812 alleles (0.0014%); highest among the groups gnomAD compares: African/African-American, 0.008%; no homozygotes.

Submission:

Labcorp Genetics (formerly Invitae), Labcorp
Classification: Uncertain significance. Last evaluated: 2021-08-24. Review status: criteria provided, single submitter. Criteria: Invitae Variant Classification Sherloc (09022015). Collection method: clinical testing. Allele origin: germline.
Comment: This sequence change replaces alanine with valine at codon 85 of the DTNBP1 protein (p.Ala85Val). The alanine residue is highly conserved and there is a small physicochemical difference between alanine and valine. This variant is not present in population databases (ExAC no frequency). This variant has not been reported in the literature in individuals affected with DTNBP1-related conditions. Algorithms developed to predict the effect of missense changes on protein structure and function output the following: SIFT: "Deleterious"; PolyPhen-2: "Benign"; Align-GVGD: "Class C0". The valine amino acid residue is found in multiple mammalian species, which suggests that this missense change does not adversely affect protein function. In summary, the available evidence is currently insufficient to determine the role of this variant in disease. Therefore, it has been classified as a Variant of Uncertain Significance.

NM_032122.5(DTNBP1):c.254C>T (p.Ala85Val)

Gene: DTNBP1 (dystrobrevin binding protein 1; minus strand). Cytogenetic location: 6p22.3.
Variant type: single nucleotide variant.
Coding change: c.254C>T on transcript NM_032122.5 (MANE Select); coding-DNA position 254, C replaced by T.
Protein change: p.Ala85Val; replaces alanine 85 with valine.
Molecular consequence: missense variant. On other transcripts: non-coding transcript variant (1).
Genome position (GRCh38, 1-based): chr6:15,627,444, G>A on the plus strand (C>T on the coding strand, the complement: DTNBP1 is on the minus strand). VCF-style: chr6-15627444-G-A. GRCh37 (hg19) VCF-style: chr6-15627675-G-A.
Other names: c.11C>T, p.Ala4Val (NM_001271667.2); c.203C>T, p.Ala68Val (NM_001271668.2); c.149C>T, p.Ala50Val (NM_001271669.2); c.254C>T, p.Ala85Val (NM_183040.2); short protein forms A50V, A85V, A4V, A68V.
Identifiers: ClinVar variation 1364497 (VCV001364497.5), dbSNP rs894334768, ClinGen allele CA135264861.